The following is an entry in ClinVar:

ClinVar aggregate classification (germline): Uncertain significance (1 of 4 stars; one submission).

Allele frequency attached by ClinVar (database versions not stated): gnomAD exomes below 0.00001; TOPMed below 0.00001.
gnomAD v4.1: 2 of 1,613,790 alleles (0.00012%); no homozygotes.

Submission:

Labcorp Genetics (formerly Invitae), Labcorp
Classification: Uncertain significance. Last evaluated: 2023-09-23. Review status: criteria provided, single submitter. Criteria: Invitae Variant Classification Sherloc (09022015). Collection method: clinical testing. Allele origin: germline.
Comment: In summary, the available evidence is currently insufficient to determine the role of this variant in disease. Therefore, it has been classified as a Variant of Uncertain Significance. Advanced modeling of protein sequence and biophysical properties (such as structural, functional, and spatial information, amino acid conservation, physicochemical variation, residue mobility, and thermodynamic stability) performed at Invitae indicates that this missense variant is expected to disrupt ALPK3 protein function. This variant has not been reported in the literature in individuals affected with ALPK3-related conditions. This variant is not present in population databases (gnomAD no frequency). This sequence change replaces aspartic acid, which is acidic and polar, with tyrosine, which is neutral and polar, at codon 522 of the ALPK3 protein (p.Asp522Tyr).

NM_020778.5(ALPK3):c.958G>T (p.Asp320Tyr)

Gene: ALPK3 (alpha kinase 3; plus strand). Cytogenetic location: 15q25.3.
Variant type: single nucleotide variant.
Coding change: c.958G>T on transcript NM_020778.5 (MANE Select); coding-DNA position 958, G replaced by T.
Protein change: p.Asp320Tyr; replaces aspartic acid 320 with tyrosine.
Molecular consequence: missense variant.
Genome position (GRCh38, 1-based): chr15:84,840,237, G>T. VCF-style: chr15-84840237-G-T. GRCh37 (hg19) VCF-style: chr15-85383468-G-T.
Other names: short protein forms D320Y.
Identifiers: ClinVar variation 2994330 (VCV002994330.3), dbSNP rs1963644839, ClinGen allele CA393373887.